The following is an entry in ClinVar:

ClinVar aggregate classification (germline): Conflicting classifications of pathogenicity. Review status: criteria provided, conflicting classifications (1 of 4 stars). 2 submissions from 2 submitters: Uncertain significance (1); Likely benign (1). Last evaluated 2023-06-01.

Conditions:
Warburg micro syndrome 3 (WARBM3). Also called: MICRO SYNDROME 3. Identifiers: Orphanet 2510, MedGen C3280203, MONDO:0013638, OMIM 614222.

Allele frequency attached by ClinVar (database versions not stated): ExAC 0.00074; 1000 Genomes Project 0.00100; 1000 Genomes Project 30x 0.00141; TOPMed 0.00214; gnomAD exomes 0.00237 and 0.00281; gnomAD 0.00247 and 0.00253.

Submissions (2):

CeGaT Center for Human Genetics Tuebingen
Classification: Likely benign. Last evaluated: 2023-06-01. Review status: criteria provided, single submitter. Criteria: CeGaT Center For Human Genetics Tuebingen Variant Classification Criteria Version 2. Collection method: clinical testing. Allele origin: germline. Affected: yes. Observed: 4 variant alleles.
Comment: RAB18: BS2

Illumina Laboratory Services, Illumina
Classification: Uncertain significance for Warburg micro syndrome 3. Last evaluated: 2018-01-13. Review status: criteria provided, single submitter. Criteria: ICSL Variant Classification Criteria 13 December 2019. Collection method: clinical testing. Allele origin: germline.

NM_021252.5(RAB18):c.*419G>A

Gene: RAB18 (RAB18, member RAS oncogene family; plus strand). Cytogenetic location: 10p12.1.
Variant type: single nucleotide variant.
Coding change: c.*419G>A on transcript NM_021252.5 (MANE Select); 419 bases downstream of the stop codon, G replaced by A.
Molecular consequence: 3 prime UTR variant. On other transcripts: non-coding transcript variant (1).
Genome position (GRCh38, 1-based): chr10:27,538,470, G>A. VCF-style: chr10-27538470-G-A. GRCh37 (hg19) VCF-style: chr10-27827399-G-A.
Other names: c.*419G>A (NM_001256410.2, NM_001256412.2); c.*379G>A (NM_001256411.2).
Identifiers: ClinVar variation 878561 (VCV000878561.33), dbSNP rs569311945, ClinGen allele CA5452471.
Genomic context (GRCh38, chr10:27,538,470, plus strand): 5'-TGAATTACTTGGTATTTAGAACTCCTAGCACCACGGGGAAGAATAGAGGTATCATCAAAC[G>A]TGGCAAATTTTCTTTCAGGAATAATAAAGAGCATGATTCCACAGCTTTTCTGGGATGTTT-3'